The following is an entry in ClinVar:

NM_004667.6(HERC2):c.6585C>T (p.Ser2195=)

Gene: HERC2 (HECT and RLD domain containing E3 ubiquitin protein ligase 2; minus strand). Cytogenetic location: 15q13.1.
Variant type: single nucleotide variant.
Coding change: c.6585C>T on transcript NM_004667.6 (MANE Select); coding-DNA position 6585, C replaced by T.
Protein change: p.Ser2195=; no amino-acid change (serine 2195 retained).
Molecular consequence: synonymous variant.
Genome position (GRCh38, 1-based): chr15:28,213,943, G>A on the plus strand (C>T on the coding strand, the complement: HERC2 is on the minus strand). VCF-style: chr15-28213943-G-A. GRCh37 (hg19) VCF-style: chr15-28459089-G-A.
Identifiers: ClinVar variation 2645064 (VCV002645064.24), dbSNP rs150374233, ClinGen allele CA7441988.

ClinVar aggregate classification (germline): Likely benign (1 of 4 stars; one submission).

Allele frequency attached by ClinVar (database versions not stated): gnomAD 0.00001; TOPMed 0.00002; ExAC 0.00003; ESP Exome Variant Server 0.00008.
gnomAD v4.1: 18 of 1,613,926 alleles (0.0011%); highest among the groups gnomAD compares: Admixed American, 0.01%; no homozygotes.

Submission:

CeGaT Center for Human Genetics Tuebingen
Classification: Likely benign. Last evaluated: 2022-05-01. Review status: criteria provided, single submitter. Criteria: CeGaT Center For Human Genetics Tuebingen Variant Classification Criteria Version 2. Collection method: clinical testing. Allele origin: germline. Affected: yes. Observed: 1 variant allele.
Comment: HERC2: BP4, BP7